The following continues an entry in ClinVar:

NM_000070.3(CAPN3):c.1333G>A (p.Gly445Arg)

Gene: CAPN3. ClinVar aggregate classification (germline): Pathogenic. Pathogenic (1).

Submissions 10 to 15 of 15:

Women's Health and Genetics/Laboratory Corporation of America, LabCorp
Classification: Pathogenic for Autosomal recessive limb-girdle muscular dystrophy. Last evaluated: 2022-08-09. Review status: criteria provided, single submitter. Criteria: LabCorp Variant Classification Summary - May 2015. Collection method: clinical testing. Allele origin: germline. Not counted in ClinVar's aggregate classification.
Comment: Variant summary: CAPN3 c.1333G>A (p.Gly445Arg) results in a non-conservative amino acid change located in the Peptidase C2, calpain, large subunit, domain III (IPR022682) of the encoded protein sequence. Five of five in-silico tools predict a damaging effect of the variant on protein function. The variant allele was found at a frequency of 1.2e-05 in 240268 control chromosomes. c.1333G>A has been reported in the literature in multiple individuals affected with Limb-Girdle Muscular Dystrophy, with recent reports associating this variant with an autosomal dominant mode of inheritance (example, Saenz_2005, Avila_2015, Guglieri_2008, Aguennouz_2016, Cerino_2020, Macias_2021). These data indicate that the variant is very likely to be associated with disease. At least one publication reports experimental evidence evaluating an impact on protein function demonstrating that the variant impacts calpain-3 catalytic activity and intra/intermolecular autolysis (Cerino_2020). Six clinical diagnostic laboratories have submitted clinical-significance assessments for this variant to ClinVar after 2014 without evidence for independent evaluation. All laboratories classified the variant as pathogenic/likely pathogenic. Based on the evidence outlined above, the variant was classified as pathogenic.

Broad Center for Mendelian Genomics, Broad Institute of MIT and Harvard
Classification: Likely pathogenic for Autosomal recessive limb-girdle muscular dystrophy type 2A. Last evaluated: 2018-12-03. Review status: criteria provided, single submitter. Criteria: ACMG Guidelines, 2015. Collection method: research. Allele origin: germline. Inheritance: Autosomal recessive inheritance. Affected: yes. Not counted in ClinVar's aggregate classification.
Comment: This variant has been identified in 0.006295% (4/63542) of European (non-Finnish) chromosomes in the Genome Aggregation Database (gnomAD; dbSNP rs773827877). Although this variant has been seen in the general population, its frequency is low enough to be consistent with a recessive carrier frequency. Computational prediction tools and conservation analyses suggest that this variant may impact the protein, though this information is not predictive enough to determine pathogenicity. There are several individuals in the literature with LGMD and this variant in either the compound heterozygous state or with no other known causative variant (PMID: 17994539). In summary, although additional studies are required to fully establish its clinical significance, the clinical significance of the p.Gly445Arg variant is likely pathogenic. ACMG/AMP Criteria applied: PM2, PM3_Strong, PP3 (Richards 2015).

Eurofins Ntd Llc (ga)
Classification: Pathogenic. Last evaluated: 2017-03-28. Review status: criteria provided, single submitter. Criteria: EGL Classification Definitions 2015. Collection method: clinical testing. Allele origin: germline. Observed: 7 variant alleles, 7 heterozygotes. Not counted in ClinVar's aggregate classification.

Clinical Genetics Service, Universitary Hospital 12 de Octubre
Classification: Pathogenic for Muscular dystrophy, limb-girdle, autosomal dominant 4. Review status: criteria provided, single submitter. Criteria: ACMG Guidelines, 2015. Collection method: clinical testing. Allele origin: germline. Affected: yes. Not counted in ClinVar's aggregate classification.

Solve-RD Consortium
Classification: Likely pathogenic for Muscular dystrophy, limb-girdle, autosomal dominant 4. Last evaluated: 2022-06-01. Review status: no assertion criteria provided. Collection method: provider interpretation. Allele origin: inherited. Affected: yes. Not counted in ClinVar's aggregate classification.
Comment: Variant confirmed as disease-causing by referring clinical team

Variant identified during reanalysis of unsolved cases by the Solve-RD project. The Solve-RD project has received funding from the European Union’s Horizon 2020 research and innovation programme under grant agreement No 779257.

Counsyl
Classification: Likely pathogenic for Autosomal recessive limb-girdle muscular dystrophy type 2A. Last evaluated: 2017-06-02. Review status: no assertion criteria provided. Collection method: clinical testing. Allele origin: unknown. Not counted in ClinVar's aggregate classification.

Literature cited by the submitters: PubMed 10330340 (cited by 4 submitters); PubMed 15221789 (cited by 3 submitters); PubMed 17236769 (cited by Labcorp Genetics (formerly Invitae), Labcorp and Athena Diagnostics); PubMed 18854869 (cited by Labcorp Genetics (formerly Invitae), Labcorp and Athena Diagnostics); PubMed 20635405 (cited by 4 submitters); PubMed 30919934 (cited by Natera, Inc.); PubMed 28403181 (cited by Natera, Inc.); PubMed 24803842 (cited by Athena Diagnostics and Counsyl); PubMed 27558075 (cited by Athena Diagnostics and Women's Health and Genetics/Laboratory Corporation of America, LabCorp); PubMed 34720847 (cited by Athena Diagnostics and Women's Health and Genetics/Laboratory Corporation of America, LabCorp); PubMed 32342993 (cited by Athena Diagnostics and Women's Health and Genetics/Laboratory Corporation of America, LabCorp); PubMed 15689361 (cited by 3 submitters); PubMed 17994539 (cited by 5 submitters); PubMed 26301378 (cited by Women's Health and Genetics/Laboratory Corporation of America, LabCorp); PubMed 39825153 (cited by Solve-RD Consortium); PubMed 26404900 (cited by Counsyl).